The following is an entry in ClinVar:

ClinVar aggregate classification (germline): Uncertain significance (1 of 4 stars; one submission).

Submission:

Labcorp Genetics (formerly Invitae), Labcorp
Classification: Uncertain significance. Last evaluated: 2025-11-14. Review status: criteria provided, single submitter. Criteria: Invitae Variant Classification Sherloc (09022015). Collection method: clinical testing. Allele origin: germline.
Comment: This sequence change replaces glutamic acid, which is acidic and polar, with aspartic acid, which is acidic and polar, at codon 746 of the RNF213 protein (p.Glu746Asp). This variant is not present in population databases (gnomAD no frequency). This variant has not been reported in the literature in individuals affected with RNF213-related conditions. Invitae Evidence Modeling of protein sequence and biophysical properties (such as structural, functional, and spatial information, amino acid conservation, physicochemical variation, residue mobility, and thermodynamic stability) indicates that this missense variant is not expected to disrupt RNF213 protein function with a negative predictive value of 95%. In summary, the available evidence is currently insufficient to determine the role of this variant in disease. Therefore, it has been classified as a Variant of Uncertain Significance.

NM_001256071.3(RNF213):c.2238G>C (p.Glu746Asp)

Gene: RNF213 (ring finger protein 213; plus strand). Cytogenetic location: 17q25.3.
Variant type: single nucleotide variant.
Coding change: c.2238G>C on transcript NM_001256071.3 (MANE Select); coding-DNA position 2238, G replaced by C.
Protein change: p.Glu746Asp; replaces glutamic acid 746 with aspartic acid.
Molecular consequence: missense variant.
Genome position (GRCh38, 1-based): chr17:80,306,279, G>C. VCF-style: chr17-80306279-G-C. GRCh37 (hg19) VCF-style: chr17-78280079-G-C.
Other names: c.2385G>C, p.Glu795Asp (NM_001410195.1, NM_020914.5); c.2238G>C, p.Glu746Asp (NM_020954.4); short protein forms E795D, E746D.
Identifiers: ClinVar variation 4775636 (VCV004775636.1).